The following is an entry in ClinVar:

NM_148896.5(NPB):c.185C>T (p.Ala62Val)

Genes: NPB (neuropeptide B; plus strand), PCYT2 (phosphate cytidylyltransferase 2, ethanolamine; minus strand), LOC130061982 (ATAC-STARR-seq lymphoblastoid silent region 9164; plus strand). Cytogenetic location: 17q25.3.
Variant type: single nucleotide variant.
Coding change: c.185C>T on transcript NM_148896.5 (MANE Select); coding-DNA position 185, C replaced by T.
Protein change: p.Ala62Val; replaces alanine 62 with valine.
Molecular consequence: missense variant. On other transcripts: 3 prime UTR variant (8).
Genome position (GRCh38, 1-based): chr17:81,902,462, C>T. VCF-style: chr17-81902462-C-T. GRCh37 (hg19) VCF-style: chr17-79860338-C-T.
Other names: c.*2371G>A (NM_001184917.3, NM_001256433.3, NM_001256434.3 and 5 more transcripts); short protein forms A62V.
Identifiers: ClinVar variation 3341654 (VCV003341654.16).

ClinVar aggregate classification (germline): Likely benign (1 of 4 stars; one submission).

Submission:

CeGaT Center for Human Genetics Tuebingen
Classification: Likely benign. Last evaluated: 2024-08-01. Review status: criteria provided, single submitter. Criteria: CeGaT Center For Human Genetics Tuebingen Variant Classification Criteria Version 2. Collection method: clinical testing. Allele origin: germline. Affected: yes. Observed: 1 variant allele.
Comment: NPB: BS1